The following is an entry in ClinVar:

ClinVar aggregate classification (germline): Uncertain significance (1 of 4 stars; one submission).

Submission:

GeneDx
Classification: Uncertain significance. Last evaluated: 2023-05-31. Review status: criteria provided, single submitter. Criteria: GeneDx Variant Classification Process June 2021. Collection method: clinical testing. Allele origin: germline. Affected: yes.
Comment: Not observed at significant frequency in large population cohorts (gnomAD); In silico analysis supports that this missense variant has a deleterious effect on protein structure/function; Has not been previously published as pathogenic or benign to our knowledge; Variants in candidate genes are classified as variants of uncertain significance in accordance with ACMG guidelines (Richards et al., 2015)

NM_032999.4(GTF2I):c.466G>A (p.Gly156Ser)

Genes: GTF2I (general transcription factor IIi; plus strand), GTF2I-AS1 (GTF2I antisense RNA 1; minus strand). Cytogenetic location: 7q11.23.
Variant type: single nucleotide variant.
Coding change: c.466G>A on transcript NM_032999.4 (MANE Select); coding-DNA position 466, G replaced by A.
Protein change: p.Gly156Ser; replaces glycine 156 with serine.
Molecular consequence: missense variant. On other transcripts: non-coding transcript variant (1).
Genome position (GRCh38, 1-based): chr7:74,700,339, G>A. VCF-style: chr7-74700339-G-A. GRCh37 (hg19) VCF-style: chr7-74114669-G-A.
Other names: c.466G>A, p.Gly156Ser (NM_001518.5, NM_033000.4, NM_033001.4 and 2 more transcripts); short protein forms G156S.
Identifiers: ClinVar variation 4527004 (VCV004527004.1).